The following is an entry in ClinVar:

ClinVar aggregate classification (germline): Uncertain significance (1 of 4 stars; one submission).

Conditions:
Epidermolysis bullosa simplex 3, localized or generalized intermediate, with BP230 deficiency (EBS3). Also called: Epidermolysis bullosa simplex, autosomal recessive 2; Epidermolysis bullosa simplex due to BP230 deficiency. Identifiers: Orphanet 412181, MedGen C3809470, MONDO:0014180, OMIM 615425.
Hereditary sensory and autonomic neuropathy type 6. Also called: Neuropathy, hereditary sensory and autonomic, type VI; HSAN VI. Identifiers: Orphanet 314381, MedGen C3539003, MONDO:0013839, OMIM 614653.

Allele frequency attached by ClinVar (database versions not stated): gnomAD exomes below 0.00001 and 0.00001; gnomAD 0.00001.
gnomAD v4.1: 5 of 1,614,034 alleles (0.00031%); highest among the groups gnomAD compares: Non-Finnish European, 0.00042%; no homozygotes.

Submission:

Labcorp Genetics (formerly Invitae), Labcorp
Classification: Uncertain significance for Epidermolysis bullosa simplex 3, localized or generalized intermediate, with BP230 deficiency; Hereditary sensory and autonomic neuropathy type 6. Last evaluated: 2025-04-21. Review status: criteria provided, single submitter. Criteria: Invitae Variant Classification Sherloc (09022015). Collection method: clinical testing. Allele origin: germline.
Comment: This sequence change replaces threonine, which is neutral and polar, with arginine, which is basic and polar, at codon 1973 of the DST protein (p.Thr1973Arg). This variant is present in population databases (no rsID available, gnomAD 0.0009%). This variant has not been reported in the literature in individuals affected with DST-related conditions. ClinVar contains an entry for this variant (Variation ID: 1042244). An algorithm developed to predict the effect of missense changes on protein structure and function (PolyPhen-2) suggests that this variant is likely to be tolerated. In summary, the available evidence is currently insufficient to determine the role of this variant in disease. Therefore, it has been classified as a Variant of Uncertain Significance.

NM_001723.7(DST):c.5918C>G (p.Thr1973Arg)

Gene: DST (dystonin; minus strand). Cytogenetic location: 6p12.1.
Variant type: single nucleotide variant.
Coding change: c.5918C>G on transcript NM_001723.7 (MANE Plus Clinical); coding-DNA position 5918, C replaced by G.
Protein change: p.Thr1973Arg; replaces threonine 1973 with arginine.
Molecular consequence: missense variant. On other transcripts: intron variant (10).
Genome position (GRCh38, 1-based): chr6:56,618,116, G>C on the plus strand (C>G on the coding strand, the complement: DST is on the minus strand). VCF-style: chr6-56618116-G-C. GRCh37 (hg19) VCF-style: chr6-56482914-G-C.
Other names: c.4831-3632C>G (NM_001144769.5); c.4930-3632C>G (NM_001374722.1, NM_001374736.1); c.4957-3632C>G (NM_001374734.1); c.4417-3632C>G (NM_001144770.2); c.4297-3632C>G (NM_001374730.1, NM_001386100.1, NM_183380.4 and 1 more transcripts); c.3319-3632C>G (NM_015548.5); short protein forms T1973R.
Identifiers: ClinVar variation 1042244 (VCV001042244.7), dbSNP rs1267740349, ClinGen allele CA364566286.